The following is an entry in ClinVar:

NM_000222.3(KIT):c.1813G>A (p.Glu605Lys)

Gene: KIT (KIT proto-oncogene, receptor tyrosine kinase; plus strand). Cytogenetic location: 4q12.
Variant type: single nucleotide variant.
Coding change: c.1813G>A on transcript NM_000222.3 (MANE Select); coding-DNA position 1813, G replaced by A.
Protein change: p.Glu605Lys; replaces glutamic acid 605 with lysine.
Molecular consequence: missense variant.
Genome position (GRCh38, 1-based): chr4:54,727,861, G>A. VCF-style: chr4-54727861-G-A. GRCh37 (hg19) VCF-style: chr4-55594027-G-A.
Other names: c.1801G>A, p.Glu601Lys (NM_001093772.2, NM_001385286.1); c.1816G>A, p.Glu606Lys (NM_001385284.1, NM_001385290.1); c.1813G>A, p.Glu605Lys (NM_001385285.1); c.1804G>A, p.Glu602Lys (NM_001385288.1, NM_001385292.1); short protein forms E605K, E601K, E602K, E606K.
Identifiers: ClinVar variation 963953 (VCV000963953.11), dbSNP rs1722339125, ClinGen allele CA356907983.
Genomic context (GRCh38, chr4:54,727,861, plus strand): 5'-CTTGTTGTCTTCCTTCCTACAGGGAAAACCCTGGGTGCTGGAGCTTTCGGGAAGGTTGTT[G>A]AGGCAACTGCTTATGGCTTAATTAAGTCAGATGCGGCCATGACTGTCGCTGTAAAGATGC-3'
Protein context (NP_000213.1, residues 595-615): LGAGAFGKVV[Glu605Lys]ATAYGLIKSD

ClinVar aggregate classification (germline): Uncertain significance. Review status: criteria provided, multiple submitters, no conflicts (2 of 4 stars). 2 submissions from 2 submitters: Uncertain significance (2). Last evaluated 2024-12-15.

Conditions:
Gastrointestinal stromal tumor. Also called: Gastrointestinal stromal tumor, somatic; Gastrointestinal stroma tumor. Identifiers: Orphanet 44890, MedGen C0238198, MeSH D046152, MONDO:0011719, OMIM 606764, HP:0100723.
Hereditary cancer-predisposing syndrome. Also called: Hereditary neoplastic syndrome; Neoplastic Syndromes, Hereditary; Hereditary Cancer Syndrome; Tumor predisposition. Identifiers: Orphanet 140162, MedGen C0027672, MeSH D009386, MONDO:0015356.

Submissions (2):

Ambry Genetics
Classification: Uncertain significance for Hereditary cancer-predisposing syndrome. Last evaluated: 2024-12-15. Review status: criteria provided, single submitter. Criteria: Ambry Variant Classification Scheme 2023. Collection method: clinical testing. Allele origin: germline.
Comment: The p.E605K variant (also known as c.1813G>A), located in coding exon 12 of the KIT gene, results from a G to A substitution at nucleotide position 1813. The glutamic acid at codon 605 is replaced by lysine, an amino acid with similar properties. This amino acid position is conserved. In addition, this alteration is predicted to be deleterious by in silico analysis. Based on the available evidence, the clinical significance of this variant remains unclear.

Labcorp Genetics (formerly Invitae), Labcorp
Classification: Uncertain significance for Gastrointestinal stromal tumor. Last evaluated: 2019-11-04. Review status: criteria provided, single submitter. Criteria: Invitae Variant Classification Sherloc (09022015). Collection method: clinical testing. Allele origin: germline.
Comment: This sequence change replaces glutamic acid with lysine at codon 605 of the KIT protein (p.Glu605Lys). The glutamic acid residue is highly conserved and there is a small physicochemical difference between glutamic acid and lysine. This variant is not present in population databases (ExAC no frequency). This variant has not been reported in the literature in individuals with KIT-related conditions. Algorithms developed to predict the effect of missense changes on protein structure and function (SIFT, PolyPhen-2, Align-GVGD) all suggest that this variant is likely to be disruptive, but these predictions have not been confirmed by published functional studies and their clinical significance is uncertain. In summary, the available evidence is currently insufficient to determine the role of this variant in disease. Therefore, it has been classified as a Variant of Uncertain Significance.